The following is an entry in ClinVar:

ClinVar aggregate classification (germline): Uncertain significance (1 of 4 stars; one submission).

Submission:

Greenwood Genetic Center Diagnostic Laboratories, Greenwood Genetic Center
Classification: Uncertain significance. Last evaluated: 2025-02-27. Review status: criteria provided, single submitter. Criteria: ACMG Guidelines, 2015. Collection method: clinical testing. Allele origin: germline.
Comment: Gene of Uncertain Significance

NM_005744.5(ARIH1):c.1435G>A (p.Ala479Thr)

Gene: ARIH1 (ariadne RBR E3 ubiquitin protein ligase 1; plus strand). Cytogenetic location: 15q24.1.
Variant type: single nucleotide variant.
Coding change: c.1435G>A on transcript NM_005744.5 (MANE Select); coding-DNA position 1435, G replaced by A.
Protein change: p.Ala479Thr; replaces alanine 479 with threonine.
Molecular consequence: missense variant.
Genome position (GRCh38, 1-based): chr15:72,580,950, G>A. VCF-style: chr15-72580950-G-A. GRCh37 (hg19) VCF-style: chr15-72873291-G-A.
Other names: short protein forms A479T.
Identifiers: ClinVar variation 4851716 (VCV004851716.1).